The following is an entry in ClinVar:

NM_004444.5(EPHB4):c.2686C>T (p.His896Tyr)

Gene: EPHB4 (EPH receptor B4; minus strand). Cytogenetic location: 7q22.1.
Variant type: single nucleotide variant.
Coding change: c.2686C>T on transcript NM_004444.5 (MANE Select); coding-DNA position 2686, C replaced by T.
Protein change: p.His896Tyr; replaces histidine 896 with tyrosine.
Molecular consequence: missense variant.
Genome position (GRCh38, 1-based): chr7:100,805,314, G>A on the plus strand (C>T on the coding strand, the complement: EPHB4 is on the minus strand). VCF-style: chr7-100805314-G-A. GRCh37 (hg19) VCF-style: chr7-100402936-G-A.
Other names: short protein forms H896Y.
Identifiers: ClinVar variation 1519089 (VCV001519089.8), dbSNP rs2116412688, ClinGen allele CA368566741.
Genomic context (GRCh38, chr7:100,805,314, plus strand): 5'-GCCACTCGCCCACAGAGCCAAAAGCTGAGTAGTGAGGCTGCCGCTGGTCCAGGAGAGGGT[G>A]TGAGGCCCTAGGGGGCAAGGATGGGGAGGAATGCTGAGTACCAGGCCCAGGTCCGGGGGA-3'
Protein context (NP_004435.3, residues 886-906): IVARENGGAS[His896Tyr]PLLDQRQPHY

ClinVar aggregate classification (germline): Uncertain significance (1 of 4 stars; one submission).

Submission:

Labcorp Genetics (formerly Invitae), Labcorp
Classification: Uncertain significance. Last evaluated: 2021-07-06. Review status: criteria provided, single submitter. Criteria: Invitae Variant Classification Sherloc (09022015). Collection method: clinical testing. Allele origin: germline.
Comment: This variant is not present in population databases (ExAC no frequency). This variant has not been reported in the literature in individuals affected with EPHB4-related conditions. Algorithms developed to predict the effect of missense changes on protein structure and function are either unavailable or do not agree on the potential impact of this missense change (SIFT: "Deleterious"; PolyPhen-2: "Benign"; Align-GVGD: "Class C65"). In summary, the available evidence is currently insufficient to determine the role of this variant in disease. Therefore, it has been classified as a Variant of Uncertain Significance. This sequence change replaces histidine with tyrosine at codon 896 of the EPHB4 protein (p.His896Tyr). The histidine residue is highly conserved and there is a moderate physicochemical difference between histidine and tyrosine.